The following is an entry in ClinVar:

NM_007215.4(POLG2):c.1263G>A (p.Met421Ile)

Genes: MILR1 (mast cell immunoglobulin like receptor 1; plus strand), POLG2 (DNA polymerase gamma 2, accessory subunit; minus strand). Cytogenetic location: 17q23.3.
Variant type: single nucleotide variant.
Coding change: c.1263G>A on transcript NM_007215.4 (MANE Select); coding-DNA position 1263, G replaced by A.
Protein change: p.Met421Ile; replaces methionine 421 with isoleucine.
Molecular consequence: missense variant.
Genome position (GRCh38, 1-based): chr17:64,480,318, C>T on the plus strand (G>A on the coding strand, the complement: POLG2 is on the minus strand). VCF-style: chr17-64480318-C-T. GRCh37 (hg19) VCF-style: chr17-62476435-C-T.
Other names: short protein forms M421I.
Identifiers: ClinVar variation 1206792 (VCV001206792.11), dbSNP rs373214637, ClinGen allele CA8712789.

ClinVar aggregate classification (germline): Uncertain significance. Review status: criteria provided, multiple submitters, no conflicts (2 of 4 stars). 4 submissions from 4 submitters: Uncertain significance (4). Last evaluated 2024-09-18.

Allele frequency attached by ClinVar (database versions not stated): gnomAD exomes 0.00002 and 0.00007; ExAC 0.00003; TOPMed 0.00003; gnomAD 0.00004; ESP Exome Variant Server 0.00008.
gnomAD v4.1: 100 of 1,588,136 alleles (0.0063%); highest among the groups gnomAD compares: Non-Finnish European, 0.0081%; no homozygotes.

Submissions (4):

Labcorp Genetics (formerly Invitae), Labcorp
Classification: Uncertain significance. Last evaluated: 2024-09-18. Review status: criteria provided, single submitter. Criteria: Invitae Variant Classification Sherloc (09022015). Collection method: clinical testing. Allele origin: germline.
Comment: This sequence change replaces methionine, which is neutral and non-polar, with isoleucine, which is neutral and non-polar, at codon 421 of the POLG2 protein (p.Met421Ile). This variant is present in population databases (rs373214637, gnomAD 0.005%). This variant has not been reported in the literature in individuals affected with POLG2-related conditions. ClinVar contains an entry for this variant (Variation ID: 1206792). An algorithm developed to predict the effect of missense changes on protein structure and function (PolyPhen-2) suggests that this variant is likely to be tolerated. In summary, the available evidence is currently insufficient to determine the role of this variant in disease. Therefore, it has been classified as a Variant of Uncertain Significance.

Ambry Genetics
Classification: Uncertain significance. Last evaluated: 2024-08-05. Review status: criteria provided, single submitter. Criteria: Ambry Variant Classification Scheme 2023. Collection method: clinical testing. Allele origin: germline.

Women's Health and Genetics/Laboratory Corporation of America, LabCorp
Classification: Uncertain significance. Last evaluated: 2024-05-10. Review status: criteria provided, single submitter. Criteria: LabCorp Variant Classification Summary - May 2015. Collection method: clinical testing. Allele origin: germline.
Comment: Variant summary: POLG2 c.1263G>A (p.Met421Ile) results in a conservative amino acid change located in the Anticodon-binding (IPR004154) of the encoded protein sequence. Five of five in-silico tools predict a benign effect of the variant on protein function. The variant allele was found at a frequency of 2.4e-05 in 251192 control chromosomes. The available data on variant occurrences in the general population are insufficient to allow any conclusion about variant significance. To our knowledge, no occurrence of c.1263G>A in individuals affected with POLG2-Related Disorder and no experimental evidence demonstrating its impact on protein function have been reported. ClinVar contains an entry for this variant (Variation ID: 1206792). Based on the evidence outlined above, the variant was classified as uncertain significance.

GeneDx
Classification: Uncertain significance. Last evaluated: 2021-04-02. Review status: criteria provided, single submitter. Criteria: GeneDx Variant Classification Process June 2021. Collection method: clinical testing. Allele origin: germline. Affected: yes.
Comment: In silico analysis supports that this missense variant does not alter protein structure/function; Has not been previously published as pathogenic or benign to our knowledge